The following is an entry in ClinVar:

NM_021815.5(SLC5A7):c.1202C>G (p.Thr401Ser)

Gene: SLC5A7 (solute carrier family 5 member 7; plus strand). Cytogenetic location: 2q12.3.
Variant type: single nucleotide variant.
Coding change: c.1202C>G on transcript NM_021815.5 (MANE Select); coding-DNA position 1202, C replaced by G.
Protein change: p.Thr401Ser; replaces threonine 401 with serine.
Molecular consequence: missense variant.
Genome position (GRCh38, 1-based): chr2:108,010,320, C>G. VCF-style: chr2-108010320-C-G. GRCh37 (hg19) VCF-style: chr2-108626776-C-G.
Other names: c.1202C>G, p.Thr401Ser (NM_001305005.3); c.887C>G, p.Thr296Ser (NM_001305006.3); c.461C>G, p.Thr154Ser (NM_001305007.3); short protein forms T401S, T296S, T154S.
Identifiers: ClinVar variation 570704 (VCV000570704.6), dbSNP rs1558872383, ClinGen allele CA348114065.
Genomic context (GRCh38, chr2:108,010,320, plus strand): 5'-TGCGAATCACAGTGTTTGTGTTTGGAGCATCTGCAACAGCCATGGCCTTGCTGACGAAAA[C>G]TGTGTATGGGCTCTGGTACCTCAGTTCTGACCTTGTTTACATCGTTATCTTCCCCCAGCT-3'
Protein context (NP_068587.1, residues 391-411): SATAMALLTK[Thr401Ser]VYGLWYLSSD

ClinVar aggregate classification (germline): Uncertain significance (1 of 4 stars; one submission).

Conditions:
Neuronopathy, distal hereditary motor, type 7A. Also called: SPINAL MUSCULAR ATROPHY, DISTAL, WITH VOCAL CORD PARALYSIS; Neuronopathy, distal hereditary motor, type viia; HARPER-YOUNG MYOPATHY; HMN VIIA; NEURONOPATHY, DISTAL HEREDITARY MOTOR, HARDING TYPE VIIA; NEUROPATHY, DISTAL HEREDITARY MOTOR, HARDING TYPE VIIA. Identifiers: Orphanet 139589, MedGen C1834703, MONDO:0008024, OMIM 158580.
Congenital myasthenic syndrome 20. Also called: Myasthenic syndrome, congenital, 20, presynaptic. Identifiers: MedGen C4310694, MONDO:0014939, OMIM 617143.

Submission:

Labcorp Genetics (formerly Invitae), Labcorp
Classification: Uncertain significance for Neuronopathy, distal hereditary motor, type 7A; Congenital myasthenic syndrome 20. Last evaluated: 2022-02-19. Review status: criteria provided, single submitter. Criteria: Invitae Variant Classification Sherloc (09022015). Collection method: clinical testing. Allele origin: germline.
Comment: This variant is not present in population databases (gnomAD no frequency). In summary, the available evidence is currently insufficient to determine the role of this variant in disease. Therefore, it has been classified as a Variant of Uncertain Significance. Algorithms developed to predict the effect of sequence changes on RNA splicing suggest that this variant may create or strengthen a splice site. Algorithms developed to predict the effect of missense changes on protein structure and function output the following: SIFT: "Tolerated"; PolyPhen-2: "Benign"; Align-GVGD: "Class C0". The serine amino acid residue is found in multiple mammalian species, which suggests that this missense change does not adversely affect protein function. ClinVar contains an entry for this variant (Variation ID: 570704). This variant has not been reported in the literature in individuals affected with SLC5A7-related conditions. This sequence change replaces threonine, which is neutral and polar, with serine, which is neutral and polar, at codon 401 of the SLC5A7 protein (p.Thr401Ser).